The following is an entry in ClinVar:

NM_000243.3(MEFV):c.910+8G>T

Gene: MEFV (MEFV innate immunity regulator, pyrin; minus strand). Cytogenetic location: 16p13.3.
Variant type: single nucleotide variant.
Coding change: c.910+8G>T on transcript NM_000243.3 (MANE Select); 8 bases into the intron after coding-DNA position 910, G replaced by T.
Molecular consequence: intron variant.
Genome position (GRCh38, 1-based): chr16:3,254,150, C>A on the plus strand (G>T on the coding strand, the complement: MEFV is on the minus strand). VCF-style: chr16-3254150-C-A. GRCh37 (hg19) VCF-style: chr16-3304150-C-A.
Other names: c.277+2161G>T (NM_001198536.2).
Identifiers: ClinVar variation 3348223 (VCV003348223.1).

ClinVar aggregate classification (germline): Likely benign (0 of 4 stars; one submission).

Conditions:
MEFV-related disorder. Also called: MEFV-related disorders; MEFV-related condition.

Submission:

PreventionGenetics, part of Exact Sciences
Classification: Likely benign for MEFV-related condition. Last evaluated: 2024-06-12. Review status: no assertion criteria provided. Collection method: clinical testing. Allele origin: germline.
Comment: This variant is classified as likely benign based on ACMG/AMP sequence variant interpretation guidelines (Richards et al. 2015 PMID: 25741868, with internal and published modifications).